The following is an entry in ClinVar:

ClinVar aggregate classification (germline): Pathogenic (1 of 4 stars; one submission).

Conditions:
Popliteal pterygium syndrome (PPS). Identifiers: Orphanet 294963, MedGen C0265259, MONDO:0017435.
Van der Woude syndrome. Identifiers: Orphanet 888, MedGen C0175697, MONDO:0019508.
Orofacial cleft 6, susceptibility to (OFC6). Also called: CLEFT LIP WITH OR WITHOUT CLEFT PALATE, NONSYNDROMIC, 6. Identifiers: MedGen C1837213, MONDO:0012141, OMIM 608864.

Submission:

Labcorp Genetics (formerly Invitae), Labcorp
Classification: Pathogenic for Orofacial cleft 6, susceptibility to; Van der Woude syndrome; Popliteal pterygium syndrome. Last evaluated: 2023-04-17. Review status: criteria provided, single submitter. Criteria: Invitae Variant Classification Sherloc (09022015). Collection method: clinical testing. Allele origin: germline.
Comment: This variant is not present in population databases (gnomAD no frequency). This premature translational stop signal has been observed in individual(s) with Van der Woude syndrome (PMID: 16211254). For these reasons, this variant has been classified as Pathogenic. This sequence change creates a premature translational stop signal (p.Phe165Serfs*2) in the IRF6 gene. It is expected to result in an absent or disrupted protein product. Loss-of-function variants in IRF6 are known to be pathogenic (PMID: 19282774, 23949966).

Literature cited by the submitters: PubMed 16211254; PubMed 19282774; PubMed 23949966.

NM_006147.4(IRF6):c.492del (p.Phe165fs)

Gene: IRF6 (interferon regulatory factor 6; minus strand). Cytogenetic location: 1q32.2.
Variant type: Deletion.
Coding change: c.492del on transcript NM_006147.4 (MANE Select); coding-DNA position 492, one base deleted (C; older notation c.492delC).
Protein change: p.Phe165fs; shifts the reading frame from phenylalanine 165.
Molecular consequence: frameshift variant.
Genome position (GRCh38, 1-based): chr1:209,795,306, G deleted on the plus strand (C on the coding strand, the reverse complement: IRF6 is on the minus strand); the first of 4 consecutive G bases (chr1:209,795,306-209,795,309); deleting any one gives the same sequence. VCF-style (leftmost placement, unchanged base first): chr1-209795305-AG-A. GRCh37 (hg19) VCF-style: chr1-209968650-AG-A.
Other names: c.207del, p.Phe70fs (NM_001206696.2); short protein forms F165fs, F70fs.
Identifiers: ClinVar variation 2946861 (VCV002946861.3), dbSNP rs2464680974, ClinGen allele CA2740090307.
Genomic context (GRCh38, chr1:209,795,305, plus strand): 5'-TTACATCCTCCATATGTCTCTGTACCACCCATCATCCCCACTCACCATTGATGTTCAGGA[AG>A]GGGAAGGTGTCCTGGATGGGAACATGGTGCTGCGACTGATCCAGCTCATCTTCCTCATCT-3'